The following is an entry in ClinVar:

ClinVar aggregate classification (germline): Conflicting classifications of pathogenicity. Review status: criteria provided, conflicting classifications (1 of 4 stars). 3 submissions from 3 submitters: Uncertain significance (2); Likely benign (1). Last evaluated 2026-01-19.

Conditions:
Inborn genetic diseases. Identifiers: MedGen C0950123, MeSH D030342.

Allele frequency attached by ClinVar (database versions not stated): gnomAD 0.00003; gnomAD exomes 0.00003 and 0.00006; TOPMed 0.00004; ExAC 0.00006.
gnomAD v4.1: 42 of 1,613,414 alleles (0.0026%); highest among the groups gnomAD compares: East Asian, 0.038%; no homozygotes.

Submissions (3):

Labcorp Genetics (formerly Invitae), Labcorp
Classification: Likely benign. Last evaluated: 2026-01-19. Review status: criteria provided, single submitter. Criteria: Invitae Variant Classification Sherloc (09022015). Collection method: clinical testing. Allele origin: germline.

Ambry Genetics
Classification: Uncertain significance for Inborn genetic diseases. Last evaluated: 2024-01-03. Review status: criteria provided, single submitter. Criteria: Ambry Variant Classification Scheme 2023. Collection method: clinical testing. Allele origin: germline.

Women's Health and Genetics/Laboratory Corporation of America, LabCorp
Classification: Uncertain significance. Last evaluated: 2022-05-21. Review status: criteria provided, single submitter. Criteria: LabCorp Variant Classification Summary - May 2015. Collection method: clinical testing. Allele origin: germline.
Comment: Variant summary: TGM1 c.248G>A (p.Arg83Gln) results in a conservative amino acid change in the encoded protein sequence. Five of five in-silico tools predict a benign effect of the variant on protein function. The variant allele was found at a frequency of 6e-05 in 249612 control chromosomes. This frequency is not significantly higher than estimated for a pathogenic variant in TGM1 causing Lamellar Ichthyosis (6e-05 vs 0.0021), allowing no conclusion about variant significance. To our knowledge, no occurrence of c.248G>A in individuals affected with Lamellar Ichthyosis and no experimental evidence demonstrating its impact on protein function have been reported. One clinical diagnostic laboratory has submitted clinical-significance assessments for this variant to ClinVar after 2014 without evidence for independent evaluation and classified the variant as likely benign. Based on the evidence outlined above, the variant was classified as uncertain significance.

NM_000359.3(TGM1):c.248G>A (p.Arg83Gln)

Gene: TGM1 (transglutaminase 1; minus strand). Cytogenetic location: 14q12.
Variant type: single nucleotide variant.
Coding change: c.248G>A on transcript NM_000359.3 (MANE Select); coding-DNA position 248, G replaced by A.
Protein change: p.Arg83Gln; replaces arginine 83 with glutamine.
Molecular consequence: missense variant.
Genome position (GRCh38, 1-based): chr14:24,262,105, C>T on the plus strand (G>A on the coding strand, the complement: TGM1 is on the minus strand). VCF-style: chr14-24262105-C-T. GRCh37 (hg19) VCF-style: chr14-24731311-C-T.
Other names: short protein forms R83Q.
Identifiers: ClinVar variation 1575664 (VCV001575664.10), dbSNP rs771051927, ClinGen allele CA7131500.
Genomic context (GRCh38, chr14:24,262,105, plus strand): 5'-CCATCTCCAGCTGCATTGACACCGCTGCCCCGGGATACAGGCCGGCGGGAGTCTGAGCCC[C>T]GGGAGCCAGGTCTTCGAGTGCCAGAGCTGGACCCTCGACCCCTGGAGTCAGAGGGTTCAG-3'
Protein context (NP_000350.1, residues 73-93): SSSGTRRPGS[Arg83Gln]GSDSRRPVSR